The following is an entry in ClinVar:

ClinVar aggregate classification (germline): Uncertain significance (1 of 4 stars; one submission).

Conditions:
Amelocerebrohypohidrotic syndrome (KTZS). Also called: EPILEPSY AND YELLOW TEETH; EPILEPSY, DEMENTIA, AND AMELOGENESIS IMPERFECTA; Kohlschutter's syndrome; KOHLSCHUTTER SYNDROME. Identifiers: Orphanet 1946, MedGen C0406740, MONDO:0009185, OMIM 226750.

Allele frequency attached by ClinVar (database versions not stated): TOPMed below 0.00001; gnomAD 0.00001; gnomAD exomes 0.00001.
gnomAD v4.1: 18 of 1,565,542 alleles (0.0011%); highest among the groups gnomAD compares: African/African-American, 0.0027%; no homozygotes.

Submission:

Labcorp Genetics (formerly Invitae), Labcorp
Classification: Uncertain significance for Amelocerebrohypohidrotic syndrome. Last evaluated: 2022-08-07. Review status: criteria provided, single submitter. Criteria: Invitae Variant Classification Sherloc (09022015). Collection method: clinical testing. Allele origin: germline.
Comment: This sequence change replaces histidine, which is basic and polar, with arginine, which is basic and polar, at codon 99 of the ROGDI protein (p.His99Arg). This variant is not present in population databases (gnomAD no frequency). This variant has not been reported in the literature in individuals affected with ROGDI-related conditions. Algorithms developed to predict the effect of missense changes on protein structure and function (SIFT, PolyPhen-2, Align-GVGD) all suggest that this variant is likely to be tolerated. In summary, the available evidence is currently insufficient to determine the role of this variant in disease. Therefore, it has been classified as a Variant of Uncertain Significance.

NM_024589.3(ROGDI):c.296A>G (p.His99Arg)

Gene: ROGDI (rogdi atypical leucine zipper; minus strand). Cytogenetic location: 16p13.3.
Variant type: single nucleotide variant.
Coding change: c.296A>G on transcript NM_024589.3 (MANE Select); coding-DNA position 296, A replaced by G.
Protein change: p.His99Arg; replaces histidine 99 with arginine.
Molecular consequence: missense variant. On other transcripts: non-coding transcript variant (1).
Genome position (GRCh38, 1-based): chr16:4,800,538, T>C on the plus strand (A>G on the coding strand, the complement: ROGDI is on the minus strand). VCF-style: chr16-4800538-T-C. GRCh37 (hg19) VCF-style: chr16-4850539-T-C.
Other names: short protein forms H99R.
Identifiers: ClinVar variation 2418878 (VCV002418878.3), dbSNP rs912546744, ClinGen allele CA277138731.